The following is an entry in ClinVar:

ClinVar aggregate classification (germline): Uncertain significance. Review status: criteria provided, multiple submitters, no conflicts (2 of 4 stars). 2 submissions from 2 submitters: Uncertain significance (2). Last evaluated 2026-01-23.

Conditions:
Inborn genetic diseases. Identifiers: MedGen C0950123, MeSH D030342.

gnomAD v4.1: 8 of 1,612,234 alleles (0.0005%); highest among the groups gnomAD compares: East Asian, 0.0045%; no homozygotes.

Submissions (2):

Labcorp Genetics (formerly Invitae), Labcorp
Classification: Uncertain significance. Last evaluated: 2026-01-23. Review status: criteria provided, single submitter. Criteria: Invitae Variant Classification Sherloc (09022015). Collection method: clinical testing. Allele origin: germline.
Comment: This sequence change replaces lysine, which is basic and polar, with arginine, which is basic and polar, at codon 1300 of the ANKRD26 protein (p.Lys1300Arg). This variant is not present in population databases (gnomAD no frequency). This variant has not been reported in the literature in individuals affected with ANKRD26-related conditions. ClinVar contains an entry for this variant (Variation ID: 3715237). An algorithm developed to predict the effect of missense changes on protein structure and function outputs the following: PolyPhen-2: "Benign". The arginine amino acid residue is found in multiple mammalian species, which suggests that this missense change does not adversely affect protein function. In summary, the available evidence is currently insufficient to determine the role of this variant in disease. Therefore, it has been classified as a Variant of Uncertain Significance.

Ambry Genetics
Classification: Uncertain significance for Inborn genetic diseases. Last evaluated: 2024-12-16. Review status: criteria provided, single submitter. Criteria: Ambry Variant Classification Scheme 2023. Collection method: clinical testing. Allele origin: germline.
Comment: The p.K1300R variant (also known as c.3899A>G), located in coding exon 27 of the ANKRD26 gene, results from an A to G substitution at nucleotide position 3899. The lysine at codon 1300 is replaced by arginine, an amino acid with highly similar properties. This amino acid position is conserved. In addition, this alteration is predicted to be tolerated by in silico analysis. Based on the available evidence, the clinical significance of this variant remains unclear.

NM_014915.3(ANKRD26):c.3899A>G (p.Lys1300Arg)

Gene: ANKRD26 (ankyrin repeat domain 26; minus strand). Cytogenetic location: 10p12.1.
Variant type: single nucleotide variant.
Coding change: c.3899A>G on transcript NM_014915.3 (MANE Select); coding-DNA position 3899, A replaced by G.
Protein change: p.Lys1300Arg; replaces lysine 1300 with arginine.
Molecular consequence: missense variant.
Genome position (GRCh38, 1-based): chr10:27,028,925, T>C on the plus strand (A>G on the coding strand, the complement: ANKRD26 is on the minus strand). VCF-style: chr10-27028925-T-C. GRCh37 (hg19) VCF-style: chr10-27317854-T-C.
Other names: c.3896A>G, p.Lys1299Arg (NM_001256053.2); short protein forms K1300R, K1299R.
Identifiers: ClinVar variation 3715237 (VCV003715237.3).